The following is an entry in ClinVar:

ClinVar aggregate classification (germline): Uncertain significance. Review status: criteria provided, multiple submitters, no conflicts (2 of 4 stars). 3 submissions from 3 submitters: Uncertain significance (3). Last evaluated 2025-11-24.

Conditions:
Marfan syndrome (MFS). Also called: FBN1-Related Marfan Syndrome; Marfan syndrome type 1; Marfan's syndrome; Marfan syndrome, classic; MARFAN SYNDROME, TYPE I. Identifiers: Orphanet 284963, Orphanet 558, MedGen C0024796, MONDO:0007947, OMIM 154700.
Familial thoracic aortic aneurysm and aortic dissection (TAAD). Also called: Thoracic aortic aneurysms and dissections. Identifiers: Orphanet 91387, MedGen C4707243, MONDO:0019625.

Allele frequency attached by ClinVar (database versions not stated): gnomAD exomes below 0.00001; gnomAD 0.00001.
gnomAD v4.1: 8 of 1,613,944 alleles (0.0005%); highest among the groups gnomAD compares: South Asian, 0.0033%; no homozygotes.

Submissions (3):

Labcorp Genetics (formerly Invitae), Labcorp
Classification: Uncertain significance for Marfan syndrome; Familial thoracic aortic aneurysm and aortic dissection. Last evaluated: 2025-11-24. Review status: criteria provided, single submitter. Criteria: Invitae Variant Classification Sherloc (09022015). Collection method: clinical testing. Allele origin: germline.
Comment: This sequence change replaces leucine, which is neutral and non-polar, with valine, which is neutral and non-polar, at codon 2753 of the FBN1 protein (p.Leu2753Val). This variant is present in population databases (no rsID available, gnomAD 0.003%). This variant has not been reported in the literature in individuals affected with FBN1-related conditions. ClinVar contains an entry for this variant (Variation ID: 632818). Invitae Evidence Modeling of protein sequence and biophysical properties (such as structural, functional, and spatial information, amino acid conservation, physicochemical variation, residue mobility, and thermodynamic stability) has been performed for this missense variant. However, the output from this modeling did not meet the statistical confidence thresholds required to predict the impact of this variant on FBN1 protein function. In summary, the available evidence is currently insufficient to determine the role of this variant in disease. Therefore, it has been classified as a Variant of Uncertain Significance.

Victorian Clinical Genetics Services, Murdoch Childrens Research Institute
Classification: Uncertain significance for Marfan syndrome. Last evaluated: 2023-12-21. Review status: criteria provided, single submitter. Criteria: ACMG Guidelines, 2015. Collection method: clinical testing. Allele origin: germline. Inheritance: Autosomal dominant inheritance. Affected: yes.
Comment: Based on the classification scheme VCGS_Germline_v1.3.4, this variant is classified as VUS-3B. Following criteria are met: 0103 - Dominant negative and loss of function are known mechanisms of disease in this gene and are associated with FBN1-related disease. Variants predicted to result in nonsense mediated decay cause loss of function effects, and are more commonly associated with severe Marfan syndrome (MIM#154700). Missense variants with both dominant negative and loss of function effects on protein function, are associated with Marfan syndrome and ectopia lentis (MIM#129600) (OMIM, PMID: 29357934). The exact genotype-phenotype correlation for this gene is still unclear, and is compounded by variable expressivity (PMID: 20301510). (I) 0107 - This gene is predominantly associated with autosomal dominant disease; autosomal recessive forms of Marfan syndrome have rarely been reported (PMID: 27274304, 31950671). (I) 0115 - Variants in this gene are known to have variable expressivity. The genotype-phenotype correlations for this gene are unclear, with single variants reported in patients with a range of phenotypes (PMID: 20301510, OMIM). (I) 0200 - Variant is predicted to result in a missense amino acid change from leucine to valine. (I) 0251 - This variant is heterozygous. (I) 0302 - Variant is present in gnomAD (v2 and v3) <0.001 for a dominant condition (2 heterozygotes, 0 homozygotes). (SP) 0502 - Missense variant with conflicting in silico predictions and uninformative conservation. (I) 0604 - Variant is not located in an established domain, motif, hotspot or informative constraint region. (I) 0705 - No comparable missense variants have previous evidence for pathogenicity. (I) 0809 - Previous evidence of pathogenicity for this variant is inconclusive. This variant has been classified as a VUS by two clinical laboratories in ClinVar. (I) 0905 - No published segregation evidence has been identified for this variant. (I) 1007 - No published functional evidence has been identified for this variant. (I) 1208 - Inheritance information for this variant is not currently available in this individual. (I) Legend: (SP) - Supporting pathogenic, (I) - Information, (SB) - Supporting benign

Women's Health and Genetics/Laboratory Corporation of America, LabCorp
Classification: Uncertain significance. Last evaluated: 2018-11-05. Review status: criteria provided, single submitter. Criteria: LabCorp Variant Classification Summary - May 2015. Collection method: clinical testing. Allele origin: germline.
Comment: Variant summary: FBN1 c.8257C>G (p.Leu2753Val) results in a conservative amino acid change in the encoded protein sequence. Four of five in-silico tools predict a benign effect of the variant on protein function. The variant allele was found at a frequency of 4.1e-06 in 245950 control chromosomes. The available data on variant occurrences in the general population are insufficient to allow any conclusion about variant significance. To our knowledge, no occurrence of c.8257C>G in individuals affected with Marfan Syndrome and no experimental evidence demonstrating its impact on protein function have been reported. No clinical diagnostic laboratories have submitted clinical-significance assessments for this variant to ClinVar after 2014. Based on the evidence outlined above, the variant was classified as uncertain significance.

Literature cited by the submitters: PubMed 20301510 (cited by Victorian Clinical Genetics Services, Murdoch Childrens Research Institute); PubMed 27274304 (cited by Victorian Clinical Genetics Services, Murdoch Childrens Research Institute); PubMed 29357934 (cited by Victorian Clinical Genetics Services, Murdoch Childrens Research Institute); PubMed 31950671 (cited by Victorian Clinical Genetics Services, Murdoch Childrens Research Institute).

NM_000138.5(FBN1):c.8257C>G (p.Leu2753Val)

Gene: FBN1 (fibrillin 1; minus strand). Cytogenetic location: 15q21.1.
Variant type: single nucleotide variant.
Coding change: c.8257C>G on transcript NM_000138.5 (MANE Select); coding-DNA position 8257, C replaced by G.
Protein change: p.Leu2753Val; replaces leucine 2753 with valine.
Molecular consequence: missense variant.
Genome position (GRCh38, 1-based): chr15:48,411,349, G>C on the plus strand (C>G on the coding strand, the complement: FBN1 is on the minus strand). VCF-style: chr15-48411349-G-C. GRCh37 (hg19) VCF-style: chr15-48703546-G-C.
Other names: short protein forms L2753V.
Identifiers: ClinVar variation 632818 (VCV000632818.9), dbSNP rs1253681259, ClinGen allele CA392320080.